The following is an entry in ClinVar:

NM_000302.4(PLOD1):c.1097+1G>A

Gene: PLOD1 (procollagen-lysine,2-oxoglutarate 5-dioxygenase 1; plus strand). Cytogenetic location: 1p36.22.
Variant type: single nucleotide variant.
Coding change: c.1097+1G>A on transcript NM_000302.4 (MANE Select); the canonical splice donor site of the intron after coding-DNA position 1097, G replaced by A.
Molecular consequence: splice donor variant.
Genome position (GRCh38, 1-based): chr1:11,960,768, G>A. VCF-style: chr1-11960768-G-A. GRCh37 (hg19) VCF-style: chr1-12020825-G-A.
Other names: c.1238+1G>A (NM_001316320.2).
Identifiers: ClinVar variation 450404 (VCV000450404.11), dbSNP rs1389548210, ClinGen allele CA338437712.

ClinVar aggregate classification (germline): Pathogenic/Likely pathogenic. Review status: criteria provided, multiple submitters, no conflicts (2 of 4 stars). 4 submissions from 4 submitters: Pathogenic (1); Likely pathogenic (3). Last evaluated 2026-02-16.

Conditions:
Ehlers-Danlos syndrome, kyphoscoliotic type 1 (EDSKSCL1). Also called: EHLERS-DANLOS SYNDROME, TYPE VIA; EHLERS-DANLOS SYNDROME, OCULAR-SCOLIOTIC TYPE; Ehlers-Danlos syndrome, hydroxylysine-deficient; PLOD1-Related Kyphoscoliotic Ehlers-Danlos Syndrome. Identifiers: Orphanet 1900, MedGen C0268342, MONDO:0016002, OMIM 225400. Disease mechanism: loss of function.
Familial thoracic aortic aneurysm and aortic dissection (TAAD). Also called: Thoracic aortic aneurysms and dissections. Identifiers: Orphanet 91387, MedGen C4707243, MONDO:0019625.

Allele frequency attached by ClinVar (database versions not stated): gnomAD exomes below 0.00001.
gnomAD v4.1: 4 of 1,612,768 alleles (0.00025%); highest among the groups gnomAD compares: South Asian, 0.0022%; no homozygotes.

Submissions (4):

Ambry Genetics
Classification: Likely pathogenic for Familial thoracic aortic aneurysm and aortic dissection. Last evaluated: 2026-02-16. Review status: criteria provided, single submitter. Criteria: Ambry Variant Classification Scheme 2023. Collection method: clinical testing. Allele origin: germline.
Comment: The c.1097+1G>A intronic variant results from a G to A substitution one nucleotide after coding exon 10 of the PLOD1 gene. This variant is considered to be rare based on population cohorts in the Genome Aggregation Database (gnomAD). This nucleotide position is highly conserved in available vertebrate species. In silico splice site analysis predicts that this alteration will weaken the native splice donor site and may result in the creation or strengthening of a novel splice donor site. Alterations that disrupt the canonical splice site are expected to cause aberrant splicing, resulting in an abnormal protein or a transcript that is subject to nonsense-mediated mRNA decay. As such, this alteration is classified as likely pathogenic.

Labcorp Genetics (formerly Invitae), Labcorp
Classification: Likely pathogenic for Ehlers-Danlos syndrome, kyphoscoliotic type 1. Last evaluated: 2023-07-25. Review status: criteria provided, single submitter. Criteria: Invitae Variant Classification Sherloc (09022015). Collection method: clinical testing. Allele origin: germline.
Comment: In summary, the currently available evidence indicates that the variant is pathogenic, but additional data are needed to prove that conclusively. Therefore, this variant has been classified as Likely Pathogenic. Algorithms developed to predict the effect of sequence changes on RNA splicing suggest that this variant may disrupt the consensus splice site. This sequence change affects a donor splice site in intron 10 of the PLOD1 gene. It is expected to disrupt RNA splicing. Variants that disrupt the donor or acceptor splice site typically lead to a loss of protein function (PMID: 16199547), and loss-of-function variants in PLOD1 are known to be pathogenic (PMID: 10874315, 21699693). The frequency data for this variant in the population databases is considered unreliable, as metrics indicate poor data quality at this position in the gnomAD database. This variant has not been reported in the literature in individuals affected with PLOD1-related conditions. ClinVar contains an entry for this variant (Variation ID: 450404).

Laboratorio de Genetica e Diagnostico Molecular, Hospital Israelita Albert Einstein
Classification: Likely pathogenic for Ehlers-Danlos syndrome, kyphoscoliotic type 1. Last evaluated: 2022-06-21. Review status: criteria provided, single submitter. Criteria: ACMG Guidelines, 2015. Collection method: clinical testing. Allele origin: germline. Affected: yes. Observed: 1 variant allele.
Comment: ACMG classification criteria: PVS1 strong, PM2 moderated

GeneDx
Classification: Pathogenic. Last evaluated: 2017-07-06. Review status: criteria provided, single submitter. Criteria: GeneDx Variant Classification (06012015). Collection method: clinical testing. Allele origin: germline. Affected: yes.
Comment: The c.1097+1G>A variant in the PLOD1 gene has not been reported previously as a pathogenic variant nor as a benign variant, to our knowledge. This splice site variant destroys the canonical splice donor site in intron 10. It is predicted to cause abnormal gene splicing, either leading to an abnormal message that is subject to nonsense-mediated mRNA decay, or to an abnormal protein product if the message is used for protein translation. The c.1097+1G>A variant is not observed in large population cohorts (Lek et al., 2016; 1000 Genomes Consortium et al., 2015; Exome Variant Server). We interpret c.1097+1G>A as a pathogenic variant.

Literature cited by the submitters: PubMed 16199547 (cited by Labcorp Genetics (formerly Invitae), Labcorp); PubMed 10874315 (cited by Labcorp Genetics (formerly Invitae), Labcorp); PubMed 21699693 (cited by Labcorp Genetics (formerly Invitae), Labcorp).